The following is an entry in ClinVar:

ClinVar aggregate classification (germline): Uncertain significance (0 of 4 stars; one submission).

Conditions:
IFT172-related disorder. Also called: IFT172-related disorders; IFT172-related condition.

gnomAD v4.1: 13 of 1,613,876 alleles (0.00081%); highest among the groups gnomAD compares: Admixed American, 0.005%; no homozygotes.

Submission:

PreventionGenetics, part of Exact Sciences
Classification: Uncertain significance for IFT172-related condition. Last evaluated: 2024-09-03. Review status: no assertion criteria provided. Collection method: clinical testing. Allele origin: germline.
Comment: The IFT172 c.4096G>A variant is predicted to result in the amino acid substitution p.Asp1366Asn. To our knowledge, this variant has not been reported in the literature. This variant is reported in 0.0062% of alleles in individuals of African descent in gnomAD. At this time, the clinical significance of this variant is uncertain due to the absence of conclusive functional and genetic evidence.

NM_015662.3(IFT172):c.4096G>A (p.Asp1366Asn)

Gene: IFT172 (intraflagellar transport 172; minus strand). Cytogenetic location: 2p23.3.
Variant type: single nucleotide variant.
Coding change: c.4096G>A on transcript NM_015662.3 (MANE Select); coding-DNA position 4096, G replaced by A.
Protein change: p.Asp1366Asn; replaces aspartic acid 1366 with asparagine.
Molecular consequence: missense variant.
Genome position (GRCh38, 1-based): chr2:27,449,755, C>T on the plus strand (G>A on the coding strand, the complement: IFT172 is on the minus strand). VCF-style: chr2-27449755-C-T. GRCh37 (hg19) VCF-style: chr2-27672622-C-T.
Other names: c.4030G>A, p.Asp1344Asn (NM_001410739.1); short protein forms D1344N, D1366N.
Identifiers: ClinVar variation 3352967 (VCV003352967.1).